The following is an entry in ClinVar:

ClinVar aggregate classification (germline): Likely benign (0 of 4 stars; one submission).

Conditions:
TBC1D1-related disorder. Also called: TBC1D1-related condition.

Allele frequency attached by ClinVar (database versions not stated): ExAC 0.00001; gnomAD 0.00001; TOPMed 0.00001; ESP Exome Variant Server 0.00008.
gnomAD v4.1: 20 of 1,614,074 alleles (0.0012%); highest among the groups gnomAD compares: Non-Finnish European, 0.0015%; no homozygotes.

Submission:

PreventionGenetics, part of Exact Sciences
Classification: Likely benign for TBC1D1-related condition. Last evaluated: 2022-02-02. Review status: no assertion criteria provided. Collection method: clinical testing. Allele origin: germline.
Comment: This variant is classified as likely benign based on ACMG/AMP sequence variant interpretation guidelines (Richards et al. 2015 PMID: 25741868, with internal and published modifications).

NM_001396959.1(TBC1D1):c.3057G>A (p.Gln1019=)

Gene: TBC1D1 (TBC1 domain family member 1; plus strand). Cytogenetic location: 4p14.
Variant type: single nucleotide variant.
Coding change: c.3057G>A on transcript NM_001396959.1 (MANE Select); coding-DNA position 3057, G replaced by A.
Protein change: p.Gln1019=; no amino-acid change (glutamine 1019 retained).
Molecular consequence: synonymous variant.
Genome position (GRCh38, 1-based): chr4:38,115,927, G>A. VCF-style: chr4-38115927-G-A. GRCh37 (hg19) VCF-style: chr4-38117548-G-A.
Other names: c.3057G>A, p.Gln1019= (NM_001253912.2); c.66G>A, p.Gln22= (NM_001253913.2, NM_001253914.2); c.2775G>A, p.Gln925= (NM_015173.4).
Identifiers: ClinVar variation 3054335 (VCV003054335.2), dbSNP rs369737635, ClinGen allele CA2888176.